The following is an entry in ClinVar:

ClinVar aggregate classification (germline): Uncertain significance (1 of 4 stars; one submission).

Allele frequency attached by ClinVar (database versions not stated): gnomAD exomes below 0.00001 and 0.00001; ExAC 0.00002; gnomAD 0.00002; TOPMed 0.00002.
gnomAD v4.1: 6 of 1,613,790 alleles (0.00037%); highest among the groups gnomAD compares: African/African-American, 0.0053%; no homozygotes.

Submission:

Labcorp Genetics (formerly Invitae), Labcorp
Classification: Uncertain significance. Last evaluated: 2021-10-03. Review status: criteria provided, single submitter. Criteria: Invitae Variant Classification Sherloc (09022015). Collection method: clinical testing. Allele origin: germline.
Comment: In summary, the available evidence is currently insufficient to determine the role of this variant in disease. Therefore, it has been classified as a Variant of Uncertain Significance. Algorithms developed to predict the effect of missense changes on protein structure and function are either unavailable or do not agree on the potential impact of this missense change (SIFT: "Deleterious"; PolyPhen-2: "Possibly Damaging"; Align-GVGD: "Class C0"). This variant has not been reported in the literature in individuals affected with SLC24A1-related conditions. This variant is present in population databases (rs775556241, ExAC 0.02%). This sequence change replaces serine with leucine at codon 49 of the SLC24A1 protein (p.Ser49Leu). The serine residue is weakly conserved and there is a large physicochemical difference between serine and leucine.

NM_004727.3(SLC24A1):c.146C>T (p.Ser49Leu)

Gene: SLC24A1 (solute carrier family 24 member 1; plus strand). Cytogenetic location: 15q22.31.
Variant type: single nucleotide variant.
Coding change: c.146C>T on transcript NM_004727.3 (MANE Select); coding-DNA position 146, C replaced by T.
Protein change: p.Ser49Leu; replaces serine 49 with leucine.
Molecular consequence: missense variant.
Genome position (GRCh38, 1-based): chr15:65,624,226, C>T. VCF-style: chr15-65624226-C-T. GRCh37 (hg19) VCF-style: chr15-65916564-C-T.
Other names: c.146C>T, p.Ser49Leu (NM_001301031.1, NM_001301032.1, NM_001301033.2); short protein forms S49L.
Identifiers: ClinVar variation 1423225 (VCV001423225.6), dbSNP rs775556241, ClinGen allele CA7619701.
Genomic context (GRCh38, chr15:65,624,226, plus strand): 5'-TGGGAATGTTGATCATCGGTTCTACTTATCAGCACCTTAGGAGACCCCGGGGCCTTTCCT[C>T]ATTGTGGGCAGCAGTCTCTTCTCATCAGCCTATAAAACTGGCCAGTCGGGACCTCTCCAG-3'
Protein context (NP_004718.1, residues 39-59): QHLRRPRGLS[Ser49Leu]LWAAVSSHQP